The following is an entry in ClinVar:

ClinVar aggregate classification (germline): Conflicting classifications of pathogenicity. Review status: criteria provided, conflicting classifications (1 of 4 stars). 2 submissions from 2 submitters: Uncertain significance (1); Likely benign (1). Last evaluated 2023-03-23.

Conditions:
Hereditary cancer-predisposing syndrome. Also called: Hereditary neoplastic syndrome; Tumor predisposition; Neoplastic Syndromes, Hereditary; Hereditary Cancer Syndrome. Identifiers: Orphanet 140162, MedGen C0027672, MeSH D009386, MONDO:0015356.
Hereditary breast ovarian cancer syndrome. Also called: Hereditary breast and ovarian cancer; Hereditary breast and/or ovarian cancer syndrome; Breast and ovarian cancer; BRCA1- and BRCA2-Associated Hereditary Breast and Ovarian Cancer; Hereditary breast and ovarian cancer syndrome; Hereditary breast and ovarian cancer syndrome (HBOC). Identifiers: Orphanet 145, MedGen C0677776, MeSH D061325, MONDO:0003582. Disease mechanism: loss of function.

Submissions (2):

University of Washington Department of Laboratory Medicine, University of Washington
Classification: Likely benign for Hereditary cancer-predisposing syndrome. Last evaluated: 2023-03-23. Review status: criteria provided, single submitter. Criteria: Dines et al. (Genet Med. 2020). Collection method: curation. Allele origin: germline.
Comment: Missense variant in a coldspot region where missense variants are very unlikely to be pathogenic (PMID:31911673).

BRCA2 exon 11 coldspot. Reclassification based on statistical prior probability.

Labcorp Genetics (formerly Invitae), Labcorp
Classification: Uncertain significance for Hereditary breast ovarian cancer syndrome. Last evaluated: 2021-07-19. Review status: criteria provided, single submitter. Criteria: Invitae Variant Classification Sherloc (09022015). Collection method: clinical testing. Allele origin: germline.
Comment: In summary, the available evidence is currently insufficient to determine the role of this variant in disease. Therefore, it has been classified as a Variant of Uncertain Significance. Advanced modeling of protein sequence and biophysical properties (such as structural, functional, and spatial information, amino acid conservation, physicochemical variation, residue mobility, and thermodynamic stability) performed at Invitae indicates that this missense variant is not expected to disrupt BRCA2 protein function. This variant has not been reported in the literature in individuals with BRCA2-related conditions. This variant is not present in population databases (ExAC no frequency). This sequence change replaces cysteine with serine at codon 2126 of the BRCA2 protein (p.Cys2126Ser). The cysteine residue is weakly conserved and there is a moderate physicochemical difference between cysteine and serine.

NM_000059.4(BRCA2):c.6377G>C (p.Cys2126Ser)

Gene: BRCA2 (BRCA2 DNA repair associated; plus strand). Cytogenetic location: 13q13.1.
Variant type: single nucleotide variant.
Coding change: c.6377G>C on transcript NM_000059.4 (MANE Select); coding-DNA position 6377, G replaced by C.
Protein change: p.Cys2126Ser; replaces cysteine 2126 with serine.
Molecular consequence: missense variant.
Genome position (GRCh38, 1-based): chr13:32,340,732, G>C. VCF-style: chr13-32340732-G-C. GRCh37 (hg19) VCF-style: chr13-32914869-G-C.
Other names: short protein forms C2126S.
Identifiers: ClinVar variation 1346348 (VCV001346348.9), dbSNP rs2137526863, ClinGen allele CA387789184.
Genomic context (GRCh38, chr13:32,340,732, plus strand): 5'-TTCCTCGTGTTGATAAGAGAAACCCAGAGCACTGTGTAAACTCAGAAATGGAAAAAACCT[G>C]CAGTAAAGAATTTAAATTATCAAATAACTTAAATGTTGAAGGTGGTTCTTCAGAAAATAA-3'
Protein context (NP_000050.3, residues 2116-2136): HCVNSEMEKT[Cys2126Ser]SKEFKLSNNL